The following is an entry in ClinVar:

NM_000487.6(ARSA):c.1444G>A (p.Gly482Ser)

Gene: ARSA (arylsulfatase A; minus strand). Cytogenetic location: 22q13.33.
Variant type: single nucleotide variant.
Coding change: c.1444G>A on transcript NM_000487.6 (MANE Select); coding-DNA position 1444, G replaced by A.
Protein change: p.Gly482Ser; replaces glycine 482 with serine.
Molecular consequence: missense variant.
Genome position (GRCh38, 1-based): chr22:50,625,231, C>T on the plus strand (G>A on the coding strand, the complement: ARSA is on the minus strand). VCF-style: chr22-50625231-C-T. GRCh37 (hg19) VCF-style: chr22-51063659-C-T.
Other names: p.Gly482Ser; c.1444G>A, p.Gly482Ser (NM_001085425.3, NM_001085426.3, NM_001085427.3); c.1186G>A, p.Gly396Ser (NM_001085428.3, NM_001362782.2); short protein forms G396S, G482S.
Identifiers: ClinVar variation 902514 (VCV000902514.9), dbSNP rs377717242, ClinGen allele CA10324727.
Genomic context (GRCh38, chr22:50,625,231, plus strand): 5'-AGCAAGCTGGGCGGGGGGTGCAGCCAGGATGACAGCAGATCTGCAGGGCGGGGTCCTCGC[C>T]CCGGGCCACCTGGCTGGGGCCGAAGGTCACAGCTGCGTCTAACTGGGCCTTGAGCAGCTG-3'
Protein context (NP_000478.3, residues 472-492): VTFGPSQVAR[Gly482Ser]EDPALQICCH

ClinVar aggregate classification (germline): Uncertain significance. Review status: criteria provided, multiple submitters, no conflicts (2 of 4 stars). 4 submissions from 4 submitters: Uncertain significance (4). Last evaluated 2024-05-31.

Conditions:
Metachromatic leukodystrophy (MLD). Also called: Cerebral sclerosis diffuse metachromatic form; Arylsulfatase A Deficiency; ARSA DEFICIENCY; CEREBROSIDE SULFATASE DEFICIENCY; METACHROMATIC LEUKOENCEPHALOPATHY; SULFATIDE LIPIDOSIS. Identifiers: Orphanet 512, MedGen C0023522, MONDO:0018868, OMIM 250100.

Allele frequency attached by ClinVar (database versions not stated): gnomAD exomes 0.00002 and 0.00005; TOPMed 0.00002; ExAC 0.00003; gnomAD 0.00003; ESP Exome Variant Server 0.00008.

Submissions (4):

Mayo Clinic Laboratories, Mayo Clinic
Classification: Uncertain significance. Last evaluated: 2024-05-31. Review status: criteria provided, single submitter. Criteria: ACMG Guidelines, 2015. Collection method: clinical testing. Allele origin: germline. Observed: 1 variant allele.

Labcorp Genetics (formerly Invitae), Labcorp
Classification: Uncertain significance for Metachromatic leukodystrophy. Last evaluated: 2021-09-24. Review status: criteria provided, single submitter. Criteria: Invitae Variant Classification Sherloc (09022015). Collection method: clinical testing. Allele origin: germline.
Comment: This sequence change replaces glycine with serine at codon 482 of the ARSA protein (p.Gly482Ser). The glycine residue is highly conserved and there is a small physicochemical difference between glycine and serine. This variant is present in population databases (rs377717242, ExAC 0.005%). This variant has not been reported in the literature in individuals with ARSA-related conditions. Algorithms developed to predict the effect of missense changes on protein structure and function are either unavailable or do not agree on the potential impact of this missense change (SIFT: "Tolerated"; PolyPhen-2: "Possibly Damaging"; Align-GVGD: "Class C0"). In summary, the available evidence is currently insufficient to determine the role of this variant in disease. Therefore, it has been classified as a Variant of Uncertain Significance.

Fulgent Genetics
Classification: Uncertain significance for Metachromatic leukodystrophy. Last evaluated: 2021-07-19. Review status: criteria provided, single submitter. Criteria: ACMG Guidelines, 2015. Collection method: clinical testing. Allele origin: unknown.

Illumina Laboratory Services, Illumina
Classification: Uncertain significance for Metachromatic leukodystrophy. Last evaluated: 2018-01-12. Review status: criteria provided, single submitter. Criteria: ICSL Variant Classification Criteria 13 December 2019. Collection method: clinical testing. Allele origin: germline.